The following is an entry in ClinVar:

ClinVar aggregate classification (germline): Conflicting classifications of pathogenicity. Review status: criteria provided, conflicting classifications (1 of 4 stars). 9 submissions from 9 submitters: Uncertain significance (4); Likely benign (3). 2 of the submissions do not count toward it. Last evaluated 2025-07-30.

Conditions:
Hereditary breast ovarian cancer syndrome. Also called: Hereditary breast and ovarian cancer syndrome; Hereditary breast and ovarian cancer; Hereditary breast and ovarian cancer syndrome (HBOC); Breast and ovarian cancer; Hereditary breast and/or ovarian cancer syndrome; BRCA1- and BRCA2-Associated Hereditary Breast and Ovarian Cancer. Identifiers: Orphanet 145, MedGen C0677776, MeSH D061325, MONDO:0003582. Disease mechanism: loss of function.
Breast-ovarian cancer, familial, susceptibility to, 2 (BROVCA2). Also called: BRCA2 Hereditary Breast and Ovarian Cancer. Identifiers: Orphanet 145, MedGen C2675520, MONDO:0012933, OMIM 612555. Disease mechanism: loss of function.
Hereditary cancer-predisposing syndrome. Also called: Neoplastic Syndromes, Hereditary; Tumor predisposition; Hereditary Cancer Syndrome; Hereditary neoplastic syndrome. Identifiers: Orphanet 140162, MedGen C0027672, MeSH D009386, MONDO:0015356.

gnomAD v4.1: 2 of 1,608,322 alleles (0.00012%); highest among the groups gnomAD compares: African/African-American, 0.0027%; no homozygotes.

Submissions (9):

Color Diagnostics, LLC DBA Color Health
Classification: Uncertain significance for Hereditary cancer-predisposing syndrome. Last evaluated: 2025-07-30. Review status: criteria provided, single submitter. Criteria: ACMG Guidelines, 2015. Collection method: clinical testing. Allele origin: germline.
Comment: This missense variant replaces alanine with proline at codon 483 of the BRCA2 protein. Computational prediction suggests that this variant may not impact protein structure and function. To our knowledge, functional studies have not been reported for this variant. This variant has been reported in 2 individuals affected with breast cancer and 1 unaffected individual (BIC DatabasePMID: 10923033, 21520273, 20104584). This variant has not been identified in the general population by the Genome Aggregation Database (gnomAD). The available evidence is insufficient to determine the role of this variant in disease conclusively. Therefore, this variant is classified as a Variant of Uncertain Significance.

Labcorp Genetics (formerly Invitae), Labcorp
Classification: Uncertain significance for Hereditary breast ovarian cancer syndrome. Last evaluated: 2025-06-16. Review status: criteria provided, single submitter. Criteria: Invitae Variant Classification Sherloc (09022015). Collection method: clinical testing. Allele origin: germline.
Comment: This sequence change replaces alanine, which is neutral and non-polar, with proline, which is neutral and non-polar, at codon 483 of the BRCA2 protein (p.Ala483Pro). This variant is not present in population databases (gnomAD no frequency). This missense change has been observed in individual(s) with breast cancer (PMID: 10923033, 20104584, 26287763). This variant is also known as c.1675G>C. ClinVar contains an entry for this variant (Variation ID: 51126). Invitae Evidence Modeling of protein sequence and biophysical properties (such as structural, functional, and spatial information, amino acid conservation, physicochemical variation, residue mobility, and thermodynamic stability) indicates that this missense variant is not expected to disrupt BRCA2 protein function with a negative predictive value of 95%. In summary, the available evidence is currently insufficient to determine the role of this variant in disease. Therefore, it has been classified as a Variant of Uncertain Significance.

Women's Health and Genetics/Laboratory Corporation of America, LabCorp
Classification: Uncertain significance. Last evaluated: 2025-04-08. Review status: criteria provided, single submitter. Criteria: LabCorp Variant Classification Summary - May 2015. Collection method: clinical testing. Allele origin: germline.
Comment: Variant summary: BRCA2 c.1447G>C (p.Ala483Pro) results in a non-conservative amino acid change in the encoded protein sequence. Four of five in-silico tools predict a benign effect of the variant on protein function. The variant was absent in 244382 control chromosomes. The available data on variant occurrences in the general population are insufficient to allow any conclusion about variant significance. c.1447G>C has been reported in the literature in individuals affected with Breast Cancer (example, Borg_2010, Capanu_2012, Pal_2015). These report(s) do not provide unequivocal conclusions about association of the variant with Hereditary Breast And Ovarian Cancer Syndrome. To our knowledge, no experimental evidence demonstrating an impact on protein function has been reported. The following publications have been ascertained in the context of this evaluation (PMID: 20104584, 21520273, 26287763). ClinVar contains an entry for this variant (Variation ID: 51126). Based on the evidence outlined above, the variant was classified as uncertain significance.

Quest Diagnostics Nichols Institute San Juan Capistrano
Classification: Uncertain significance. Last evaluated: 2024-08-07. Review status: criteria provided, single submitter. Criteria: Quest Diagnostics criteria. Collection method: clinical testing. Allele origin: unknown.
Comment: The BRCA2 c.1447G>C (p.Ala483Pro) variant has been reported in the published literature in individuals with breast cancer (PMID: 26287763 (2015), 21520273 (2011), 20104584 (2010)). This variant has not been reported in large, multi-ethnic general populations (Genome Aggregation Database). Analysis of this variant using bioinformatics tools for the prediction of the effect of amino acid changes on protein structure and function yielded predictions that this variant is benign. Based on the available information, we are unable to determine the clinical significance of this variant.

University of Washington Department of Laboratory Medicine, University of Washington
Classification: Likely benign for Hereditary cancer-predisposing syndrome. Last evaluated: 2023-03-23. Review status: criteria provided, single submitter. Criteria: Dines et al. (Genet Med. 2020). Collection method: curation. Allele origin: germline.
Comment: Missense variant in a coldspot region where missense variants are very unlikely to be pathogenic (PMID:31911673).

BRCA2 exon 10 coldspot. Reclassification based on statistical prior probability.

GeneDx
Classification: Likely benign. Last evaluated: 2021-04-27. Review status: criteria provided, single submitter. Criteria: GeneDx Variant Classification Process June 2021. Collection method: clinical testing. Allele origin: germline. Affected: yes.
Comment: This variant is associated with the following publications: (PMID: 20104584, 10923033, 26287763, 21520273)

Ambry Genetics
Classification: Likely benign for Hereditary cancer-predisposing syndrome. Last evaluated: 2017-07-11. Review status: criteria provided, single submitter. Criteria: Ambry Variant Classification Scheme 2023. Collection method: clinical testing. Allele origin: germline.

Sharing Clinical Reports Project (SCRP)
Classification: Uncertain significance for Breast-ovarian cancer, familial 2. Last evaluated: 2010-01-21. Review status: no assertion criteria provided. Collection method: clinical testing. Allele origin: germline. Not counted in ClinVar's aggregate classification.

Breast Cancer Information Core (BIC) (BRCA2)
Classification: Uncertain significance for Breast-ovarian cancer, familial 2. Last evaluated: 2003-12-23. Review status: no assertion criteria provided. Collection method: clinical testing. Allele origin: germline. Affected: yes. Observed: 1 variant allele. Not counted in ClinVar's aggregate classification.

Literature cited by the submitters: PubMed 10923033 (cited by Labcorp Genetics (formerly Invitae), Labcorp); PubMed 20104584 (cited by 4 submitters); PubMed 26287763 (cited by 3 submitters); PubMed 21520273 (cited by Women's Health and Genetics/Laboratory Corporation of America, LabCorp and Quest Diagnostics Nichols Institute San Juan Capistrano); PubMed 31911673 (cited by Quest Diagnostics Nichols Institute San Juan Capistrano).

NM_000059.4(BRCA2):c.1447G>C (p.Ala483Pro)

Gene: BRCA2 (BRCA2 DNA repair associated; plus strand). Cytogenetic location: 13q13.1.
Variant type: single nucleotide variant.
Coding change: c.1447G>C on transcript NM_000059.4 (MANE Select); coding-DNA position 1447, G replaced by C.
Protein change: p.Ala483Pro; replaces alanine 483 with proline.
Molecular consequence: missense variant.
Genome position (GRCh38, 1-based): chr13:32,332,925, G>C. VCF-style: chr13-32332925-G-C. GRCh37 (hg19) VCF-style: chr13-32907062-G-C.
Other names: 1675G>C; short protein forms A483P.
Identifiers: ClinVar variation 51126 (VCV000051126.23), dbSNP rs80358432, ClinGen allele CA012085.
Genomic context (GRCh38, chr13:32,332,925, plus strand): 5'-ACAGTGGTAAATAAGAGAGATGAAGAGCAGCATCTTGAATCTCATACAGACTGCATTCTT[G>C]CAGTAAAGCAGGCAATATCTGGAACTTCTCCAGTGGCTTCTTCATTTCAGGGTATCAAAA-3'
Protein context (NP_000050.3, residues 473-493): HLESHTDCIL[Ala483Pro]VKQAISGTSP